The following is an entry in ClinVar:

ClinVar aggregate classification (germline): Conflicting classifications of pathogenicity. Review status: criteria provided, conflicting classifications (1 of 4 stars). 4 submissions from 4 submitters: Uncertain significance (2); Likely benign (2). Last evaluated 2025-01-15.

Conditions:
SLC24A1-related disorder. Also called: SLC24A1-related condition.

Allele frequency attached by ClinVar (database versions not stated): ExAC 0.00010; ESP Exome Variant Server 0.00034; TOPMed 0.00039; 1000 Genomes Project 0.00060; 1000 Genomes Project 30x 0.00062.
gnomAD v4.1: 157 of 1,551,720 alleles (0.01%); highest among the groups gnomAD compares: African/African-American, 0.19%; 1 homozygote.

Submissions (4):

Labcorp Genetics (formerly Invitae), Labcorp
Classification: Uncertain significance. Last evaluated: 2025-01-15. Review status: criteria provided, single submitter. Criteria: Invitae Variant Classification Sherloc (09022015). Collection method: clinical testing. Allele origin: germline.
Comment: This sequence change replaces glutamic acid, which is acidic and polar, with lysine, which is basic and polar, at codon 759 of the SLC24A1 protein (p.Glu759Lys). This variant is present in population databases (rs375749809, gnomAD 0.2%). This variant has not been reported in the literature in individuals affected with SLC24A1-related conditions. ClinVar contains an entry for this variant (Variation ID: 1039636). An algorithm developed to predict the effect of missense changes on protein structure and function outputs the following: PolyPhen-2: "Benign". The lysine amino acid residue is found in multiple mammalian species, which suggests that this missense change does not adversely affect protein function. In summary, the available evidence is currently insufficient to determine the role of this variant in disease. Therefore, it has been classified as a Variant of Uncertain Significance.

PreventionGenetics, part of Exact Sciences
Classification: Likely benign for SLC24A1-related condition. Last evaluated: 2024-10-21. Review status: criteria provided, single submitter. Criteria: ACMG Guidelines, 2015. Collection method: clinical testing. Allele origin: germline.
Comment: This variant is classified as likely benign based on ACMG/AMP sequence variant interpretation guidelines (Richards et al. 2015 PMID: 25741868, with internal and published modifications).

Blueprint Genetics
Classification: Likely benign. Last evaluated: 2022-07-25. Review status: criteria provided, single submitter. Criteria: ACMG Guidelines, 2015. Collection method: clinical testing. Allele origin: germline.

Breakthrough Genomics
Classification: Uncertain significance. Review status: criteria provided, single submitter. Criteria: ACMG Guidelines, 2015. Collection method: not provided. Allele origin: germline. Inheritance: Autosomal recessive inheritance. Affected: yes.

NM_004727.3(SLC24A1):c.2275G>A (p.Glu759Lys)

Gene: SLC24A1 (solute carrier family 24 member 1; plus strand). Cytogenetic location: 15q22.31.
Variant type: single nucleotide variant.
Coding change: c.2275G>A on transcript NM_004727.3 (MANE Select); coding-DNA position 2275, G replaced by A.
Protein change: p.Glu759Lys; replaces glutamic acid 759 with lysine.
Molecular consequence: missense variant.
Genome position (GRCh38, 1-based): chr15:65,650,424, G>A. VCF-style: chr15-65650424-G-A. GRCh37 (hg19) VCF-style: chr15-65942762-G-A.
Other names: c.256G>A, p.Glu86Lys (NM_001254740.2); c.2275G>A, p.Glu759Lys (NM_001301031.1); c.2221G>A, p.Glu741Lys (NM_001301032.1, NM_001301033.2); c.2275G>A (NM_004727.2); short protein forms E741K, E759K, E86K.
Identifiers: ClinVar variation 1039636 (VCV001039636.8), dbSNP rs375749809, ClinGen allele CA7620125.